The following is an entry in ClinVar:

NM_015409.5(EP400):c.1532C>T (p.Pro511Leu)

Gene: EP400 (E1A binding protein p400; plus strand). Cytogenetic location: 12q24.33.
Variant type: single nucleotide variant.
Coding change: c.1532C>T on transcript NM_015409.5 (MANE Select); coding-DNA position 1532, C replaced by T.
Protein change: p.Pro511Leu; replaces proline 511 with leucine.
Molecular consequence: missense variant.
Genome position (GRCh38, 1-based): chr12:131,981,585, C>T. VCF-style: chr12-131981585-C-T. GRCh37 (hg19) VCF-style: chr12-132466130-C-T.
Other names: short protein forms P511L.
Identifiers: ClinVar variation 2291380 (VCV002291380.4), dbSNP rs200859619, ClinGen allele CA246175423.

ClinVar aggregate classification (germline): Uncertain significance. Review status: criteria provided, single submitter (1 of 4 stars). 2 submissions from 2 submitters: Uncertain significance (1). 1 of the submissions does not count toward it. Last evaluated 2022-05-26.

Conditions:
EP400-related disorder. Also called: EP400-related condition.

Allele frequency attached by ClinVar (database versions not stated): gnomAD 0.00001; TOPMed 0.00001.
gnomAD v4.1: 12 of 1,596,936 alleles (0.00075%); highest among the groups gnomAD compares: Middle Eastern, 0.017%; no homozygotes.

Submissions (2):

Ambry Genetics
Classification: Uncertain significance. Last evaluated: 2022-05-26. Review status: criteria provided, single submitter. Criteria: Ambry Variant Classification Scheme 2023. Collection method: clinical testing. Allele origin: germline.

PreventionGenetics, part of Exact Sciences
Classification: Uncertain significance for EP400-related condition. Last evaluated: 2023-12-26. Review status: no assertion criteria provided. Collection method: clinical testing. Allele origin: germline. Not counted in ClinVar's aggregate classification.
Comment: The EP400 c.1532C>T variant is predicted to result in the amino acid substitution p.Pro511Leu. To our knowledge, this variant has not been reported in the literature or in a large population database, indicating this variant is rare. At this time, the clinical significance of this variant is uncertain due to the absence of conclusive functional and genetic evidence.